The following is an entry in ClinVar:

NM_153676.4(USH1C):c.877-2A>G

Gene: USH1C (USH1 protein network component harmonin; minus strand). Cytogenetic location: 11p15.1.
Variant type: single nucleotide variant.
Coding change: c.877-2A>G on transcript NM_153676.4 (MANE Select); the canonical splice acceptor site of the intron before coding-DNA position 877, A replaced by G.
Molecular consequence: splice acceptor variant.
Genome position (GRCh38, 1-based): chr11:17,522,928, T>C on the plus strand (A>G on the coding strand, the complement: USH1C is on the minus strand). VCF-style: chr11-17522928-T-C. GRCh37 (hg19) VCF-style: chr11-17544475-T-C.
Other names: c.820-2A>G (NM_001297764.2); c.877-2A>G (NM_005709.4).
Identifiers: ClinVar variation 2679423 (VCV002679423.2), dbSNP rs2497156629, ClinGen allele CA379788633.

ClinVar aggregate classification (germline): Likely pathogenic. Review status: criteria provided, multiple submitters, no conflicts (2 of 4 stars). 2 submissions from 2 submitters: Likely pathogenic (2). Last evaluated 2025-06-30.

Conditions:
Autosomal recessive nonsyndromic hearing loss 18A. Also called: Deafness, autosomal recessive 18A; DEAFNESS, AUTOSOMAL RECESSIVE 18. Identifiers: Orphanet 90636, MedGen C1865870, MONDO:0011192, OMIM 602092.

Allele frequency attached by ClinVar (database versions not stated): gnomAD exomes below 0.00001.
gnomAD v4.1: 1 of 1,610,464 alleles (0.000062%); highest among the groups gnomAD compares: Non-Finnish European, 0.000085%; no homozygotes.

Submissions (2):

Labcorp Genetics (formerly Invitae), Labcorp
Classification: Likely pathogenic. Last evaluated: 2025-06-30. Review status: criteria provided, single submitter. Criteria: Invitae Variant Classification Sherloc (09022015). Collection method: clinical testing. Allele origin: germline.
Comment: This sequence change affects an acceptor splice site in intron 11 of the USH1C gene. It is expected to disrupt RNA splicing. Variants that disrupt the donor or acceptor splice site typically lead to a loss of protein function (PMID: 16199547), and loss-of-function variants in USH1C are known to be pathogenic (PMID: 10973247, 17407589, 20301442, 21203349). This variant is not present in population databases (gnomAD no frequency). This variant has not been reported in the literature in individuals affected with USH1C-related conditions. ClinVar contains an entry for this variant (Variation ID: 2679423). Algorithms developed to predict the effect of sequence changes on RNA splicing suggest that this variant may disrupt the consensus splice site. In summary, the currently available evidence indicates that the variant is pathogenic, but additional data are needed to prove that conclusively. Therefore, this variant has been classified as Likely Pathogenic.

Baylor Genetics
Classification: Likely pathogenic for Autosomal recessive nonsyndromic hearing loss 18A. Last evaluated: 2023-05-21. Review status: criteria provided, single submitter. Criteria: ACMG Guidelines, 2015. Collection method: clinical testing. Allele origin: unknown.

Literature cited by the submitters: PubMed 16199547 (cited by Labcorp Genetics (formerly Invitae), Labcorp); PubMed 10973247 (cited by Labcorp Genetics (formerly Invitae), Labcorp); PubMed 17407589 (cited by Labcorp Genetics (formerly Invitae), Labcorp); PubMed 20301442 (cited by Labcorp Genetics (formerly Invitae), Labcorp); PubMed 21203349 (cited by Labcorp Genetics (formerly Invitae), Labcorp).